The following is an entry in ClinVar:

NM_000135.4(FANCA):c.343G>A (p.Gly115Arg)

Gene: FANCA (FA complementation group A; minus strand). Cytogenetic location: 16q24.3.
Variant type: single nucleotide variant.
Coding change: c.343G>A on transcript NM_000135.4 (MANE Select); coding-DNA position 343, G replaced by A.
Protein change: p.Gly115Arg; replaces glycine 115 with arginine.
Molecular consequence: missense variant.
Genome position (GRCh38, 1-based): chr16:89,811,012, C>T on the plus strand (G>A on the coding strand, the complement: FANCA is on the minus strand). VCF-style: chr16-89811012-C-T. GRCh37 (hg19) VCF-style: chr16-89877420-C-T.
Other names: c.343G>A, p.Gly115Arg (NM_001018112.3, NM_001286167.3, NM_001351830.2); c.343G>A (LRG_495t1); short protein forms G115R.
Identifiers: ClinVar variation 552870 (VCV000552870.13), dbSNP rs769824282, ClinGen allele CA8253058.

ClinVar aggregate classification (germline): Conflicting classifications of pathogenicity. Review status: criteria provided, conflicting classifications (1 of 4 stars). 5 submissions from 5 submitters: Uncertain significance (2); Likely benign (1). 2 of the submissions do not count toward it. Last evaluated 2024-05-22.

Conditions:
Fanconi anemia (FA). Also called: Fanconi's anemia. Identifiers: Orphanet 84, MedGen C0015625, MeSH D005199, MONDO:0019391.
Fanconi anemia complementation group A (FANCA). Also called: Fanconi anemia, group A; FANCA-Related Fanconi Anemia. Identifiers: Orphanet 84, MedGen C3469521, MONDO:0009215, OMIM 227650.

Allele frequency attached by ClinVar (database versions not stated): TOPMed below 0.00001; gnomAD 0.00001; ExAC 0.00004.
gnomAD v4.1: 24 of 1,613,920 alleles (0.0015%); highest among the groups gnomAD compares: South Asian, 0.0033%; no homozygotes.

Submissions (5):

Fulgent Genetics
Classification: Uncertain significance for Fanconi anemia complementation group A. Last evaluated: 2024-05-22. Review status: criteria provided, single submitter. Criteria: ACMG Guidelines, 2015. Collection method: clinical testing. Allele origin: germline.

Blueprint Genetics
Classification: Likely benign. Last evaluated: 2023-06-06. Review status: criteria provided, single submitter. Criteria: ACMG Guidelines, 2015. Collection method: clinical testing. Allele origin: germline.

Labcorp Genetics (formerly Invitae), Labcorp
Classification: Uncertain significance for Fanconi anemia. Last evaluated: 2021-08-31. Review status: criteria provided, single submitter. Criteria: Invitae Variant Classification Sherloc (09022015). Collection method: clinical testing. Allele origin: germline.
Comment: This sequence change replaces glycine with arginine at codon 115 of the FANCA protein (p.Gly115Arg). The glycine residue is weakly conserved and there is a moderate physicochemical difference between glycine and arginine. This variant is present in population databases (rs769824282, ExAC 0.01%). This missense change has been observed in individual(s) with breast cancer (PMID: 23021409). ClinVar contains an entry for this variant (Variation ID: 552870). Algorithms developed to predict the effect of missense changes on protein structure and function output the following: SIFT: "Tolerated"; PolyPhen-2: "Probably Damaging"; Align-GVGD: "Class C0". The arginine amino acid residue is found in multiple mammalian species, which suggests that this missense change does not adversely affect protein function. Algorithms developed to predict the effect of sequence changes on RNA splicing suggest that this variant may create or strengthen a splice site. In summary, the available evidence is currently insufficient to determine the role of this variant in disease. Therefore, it has been classified as a Variant of Uncertain Significance.

Natera, Inc.
Classification: Uncertain significance for Fanconi anemia. Last evaluated: 2020-03-23. Review status: no assertion criteria provided. Collection method: clinical testing. Allele origin: germline. Not counted in ClinVar's aggregate classification.

Counsyl
Classification: Uncertain significance for Fanconi anemia complementation group A. Last evaluated: 2017-07-13. Review status: no assertion criteria provided. Collection method: clinical testing. Allele origin: unknown. Not counted in ClinVar's aggregate classification.

Literature cited by the submitters: PubMed 23021409 (cited by Labcorp Genetics (formerly Invitae), Labcorp).